The following is an entry in ClinVar:

NM_001368882.1(COL13A1):c.512C>T (p.Pro171Leu)

Gene: COL13A1 (collagen type XIII alpha 1 chain; plus strand). Cytogenetic location: 10q22.1.
Variant type: single nucleotide variant.
Coding change: c.512C>T on transcript NM_001368882.1 (MANE Select); coding-DNA position 512, C replaced by T.
Protein change: p.Pro171Leu; replaces proline 171 with leucine.
Molecular consequence: missense variant. On other transcripts: 5 prime UTR variant (1), intron variant (5).
Genome position (GRCh38, 1-based): chr10:69,880,552, C>T. VCF-style: chr10-69880552-C-T. GRCh37 (hg19) VCF-style: chr10-71640308-C-T.
Other names: c.485C>T, p.Pro162Leu (NM_001130103.2, NM_080800.4, NM_080801.4 and 1 more transcripts); c.512C>T, p.Pro171Leu (NM_001320951.2, NM_001368884.1); c.476C>T, p.Pro159Leu (NM_001368883.1, NM_001368885.1); c.-89C>T (NM_001368886.1); c.422C>T, p.Pro141Leu (NM_001368895.1); c.400-6904C>T (NM_080805.4, NM_001368897.1); c.373-6904C>T (NM_001368898.1, NM_080798.4, NM_001368896.1); short protein forms P141L, P159L, P162L, P171L.
Identifiers: ClinVar variation 1715605 (VCV001715605.5), dbSNP rs1564932782, ClinGen allele CA376930947.
Genomic context (GRCh38, chr10:69,880,552, plus strand): 5'-TCTCCCCGCAGGGGTCCCCCGGAGACGCTGGGCTGTCCATCATTGGTCCCCGCGGCCCCC[C>T]TGTAAGTTGTTTTTGCTCTTCCTCGGGGTGTTGGGGGGATGGGTGAGTTGATGAAAAGGG-3'
Protein context (NP_001355811.1, residues 161-181): GLSIIGPRGP[Pro171Leu]GQPGTRGFPG

ClinVar aggregate classification (germline): Uncertain significance (1 of 4 stars; one submission).

Submission:

Labcorp Genetics (formerly Invitae), Labcorp
Classification: Uncertain significance. Last evaluated: 2022-08-10. Review status: criteria provided, single submitter. Criteria: Invitae Variant Classification Sherloc (09022015). Collection method: clinical testing. Allele origin: germline.
Comment: This sequence change replaces proline, which is neutral and non-polar, with leucine, which is neutral and non-polar, at codon 162 of the COL13A1 protein (p.Pro162Leu). This variant is present in population databases (no rsID available, gnomAD 0.0009%). This variant has not been reported in the literature in individuals affected with COL13A1-related conditions. Algorithms developed to predict the effect of missense changes on protein structure and function (SIFT, PolyPhen-2, Align-GVGD) all suggest that this variant is likely to be disruptive. In summary, the available evidence is currently insufficient to determine the role of this variant in disease. Therefore, it has been classified as a Variant of Uncertain Significance.